The following is an entry in ClinVar:

NM_002108.4(HAL):c.285A>T (p.Pro95=)

Gene: HAL (histidine ammonia-lyase; minus strand). Cytogenetic location: 12q23.1.
Variant type: single nucleotide variant.
Coding change: c.285A>T on transcript NM_002108.4 (MANE Select); coding-DNA position 285, A replaced by T.
Protein change: p.Pro95=; no amino-acid change (proline 95 retained).
Molecular consequence: synonymous variant. On other transcripts: 5 prime UTR variant (1).
Genome position (GRCh38, 1-based): chr12:95,994,956, T>A on the plus strand (A>T on the coding strand, the complement: HAL is on the minus strand). VCF-style: chr12-95994956-T-A. GRCh37 (hg19) VCF-style: chr12-96388734-T-A.
Other names: c.-273A>T (NM_001258333.2); c.285A>T, p.Pro95= (NM_001258334.2).
Identifiers: ClinVar variation 3049626 (VCV003049626.2), dbSNP rs771203285, ClinGen allele CA6728095.

ClinVar aggregate classification (germline): Likely benign (0 of 4 stars; one submission).

Conditions:
HAL-related disorder. Also called: HAL-related condition.

Allele frequency attached by ClinVar (database versions not stated): ExAC 0.00002; TOPMed 0.00002; gnomAD 0.00004.
gnomAD v4.1: 21 of 1,612,766 alleles (0.0013%); highest among the groups gnomAD compares: Admixed American, 0.01%; 1 homozygote.

Submission:

PreventionGenetics, part of Exact Sciences
Classification: Likely benign for HAL-related condition. Last evaluated: 2019-07-12. Review status: no assertion criteria provided. Collection method: clinical testing. Allele origin: germline.
Comment: This variant is classified as likely benign based on ACMG/AMP sequence variant interpretation guidelines (Richards et al. 2015 PMID: 25741868, with internal and published modifications).